The following is an entry in ClinVar:

ClinVar aggregate classification (germline): Uncertain significance (1 of 4 stars; one submission).

Conditions:
Familial adenomatous polyposis 1 (FAP1). Also called: FAMILIAL ADENOMATOUS POLYPOSIS 1, ATTENUATED; POLYPOSIS, ADENOMATOUS INTESTINAL. Identifiers: MedGen C2713442, MONDO:0021056, OMIM 175100. Disease mechanism: loss of function.

Submission:

Labcorp Genetics (formerly Invitae), Labcorp
Classification: Uncertain significance for Familial adenomatous polyposis 1. Last evaluated: 2025-11-10. Review status: criteria provided, single submitter. Criteria: Invitae Variant Classification Sherloc (09022015). Collection method: clinical testing. Allele origin: germline.
Comment: This sequence change replaces alanine, which is neutral and non-polar, with valine, which is neutral and non-polar, at codon 239 of the APC protein (p.Ala239Val). This variant is not present in population databases (gnomAD no frequency). This variant has not been reported in the literature in individuals affected with APC-related conditions. ClinVar contains an entry for this variant (Variation ID: 1373895). Invitae Evidence Modeling of protein sequence and biophysical properties (such as structural, functional, and spatial information, amino acid conservation, physicochemical variation, residue mobility, and thermodynamic stability) indicates that this missense variant is not expected to disrupt APC protein function with a negative predictive value of 95%. In summary, the available evidence is currently insufficient to determine the role of this variant in disease. Therefore, it has been classified as a Variant of Uncertain Significance.

NM_000038.6(APC):c.716C>T (p.Ala239Val)

Gene: APC (APC regulator of Wnt signaling pathway; plus strand). Cytogenetic location: 5q22.2.
Variant type: single nucleotide variant.
Coding change: c.716C>T on transcript NM_000038.6 (MANE Select); coding-DNA position 716, C replaced by T.
Protein change: p.Ala239Val; replaces alanine 239 with valine.
Molecular consequence: missense variant. On other transcripts: 5 prime UTR variant (1), intron variant (2).
Genome position (GRCh38, 1-based): chr5:112,792,516, C>T. VCF-style: chr5-112792516-C-T. GRCh37 (hg19) VCF-style: chr5-112128213-C-T.
Other names: c.716C>T, p.Ala239Val (NM_001127510.3, NM_001354895.2, NM_001354896.2 and 1 more transcripts); c.746C>T, p.Ala249Val (NM_001354897.2, NM_001354902.2); c.641C>T, p.Ala214Val (NM_001354898.2, NM_001354904.2); c.539C>T, p.Ala180Val (NM_001354900.2, NM_001354901.2, NM_001354905.2); c.-320C>T (NM_001354906.2); c.676-8763C>T (NM_001127511.3); c.646-8763C>T (NM_001354899.2); short protein forms A180V, A239V, A214V, A249V.
Identifiers: ClinVar variation 1373895 (VCV001373895.6), dbSNP rs1759741588, ClinGen allele CA16022900.